The following is an entry in ClinVar:

NM_004006.3(DMD):c.6357G>A (p.Trp2119Ter)

Gene: DMD (dystrophin; minus strand). Cytogenetic location: Xp21.1.
Variant type: single nucleotide variant.
Coding change: c.6357G>A on transcript NM_004006.3 (MANE Select); coding-DNA position 6357, G replaced by A.
Protein change: p.Trp2119Ter; replaces tryptophan 2119 with a stop codon.
Molecular consequence: nonsense.
Genome position (GRCh38, 1-based): chrX:32,216,997, C>T on the plus strand (G>A on the coding strand, the complement: DMD is on the minus strand). VCF-style: chrX-32216997-C-T. GRCh37 (hg19) VCF-style: chrX-32235114-C-T.
Other names: c.6333G>A, p.Trp2111Ter (NM_000109.4); c.6345G>A, p.Trp2115Ter (NM_004009.3); c.5988G>A, p.Trp1996Ter (NM_004010.3); c.2334G>A, p.Trp778Ter (NM_004011.4); c.2325G>A, p.Trp775Ter (NM_004012.4); short protein forms W1996*, W2111*, W2115*, W775*, W2119*, W778*.
Identifiers: ClinVar variation 803851 (VCV000803851.9), dbSNP rs1603628483, ClinGen allele CA412660651.

ClinVar aggregate classification (germline): Pathogenic. Review status: criteria provided, multiple submitters, no conflicts (2 of 4 stars). 3 submissions from 3 submitters: Pathogenic (3). Last evaluated 2022-04-10.

Conditions:
Duchenne muscular dystrophy (DMD). Also called: Duchenne Muscular Dystrophy (DMD); MUSCULAR DYSTROPHY, PSEUDOHYPERTROPHIC PROGRESSIVE, DUCHENNE TYPE. Identifiers: Orphanet 98896, MedGen C0013264, MONDO:0010679, OMIM 310200.

Submissions (3):

Labcorp Genetics (formerly Invitae), Labcorp
Classification: Pathogenic for Duchenne muscular dystrophy. Last evaluated: 2022-04-10. Review status: criteria provided, single submitter. Criteria: Invitae Variant Classification Sherloc (09022015). Collection method: clinical testing. Allele origin: germline.
Comment: This sequence change creates a premature translational stop signal (p.Trp2119*) in the DMD gene. It is expected to result in an absent or disrupted protein product. Loss-of-function variants in DMD are known to be pathogenic (PMID: 16770791, 25007885). This variant is not present in population databases (gnomAD no frequency). This premature translational stop signal has been observed in individual(s) with clinical features of dystrophinopathy (PMID: 27363342, 28859693). ClinVar contains an entry for this variant (Variation ID: 803851). For these reasons, this variant has been classified as Pathogenic.

GeneDx
Classification: Pathogenic. Last evaluated: 2022-03-14. Review status: criteria provided, single submitter. Criteria: GeneDx Variant Classification Process June 2021. Collection method: clinical testing. Allele origin: germline. Affected: yes.
Comment: Nonsense variant predicted to result in protein truncation or nonsense mediated decay in a gene for which loss-of-function is a known mechanism of disease; Not observed at significant frequency in large population cohorts (gnomAD); Based on the understanding of this genetic alteration, it may be amenable to nonsense read-through therapy that is currently available or in clinical trial; This variant is associated with the following publications: (PMID: 34297739, 27363342)

Mendelics
Classification: Pathogenic for Duchenne muscular dystrophy. Last evaluated: 2019-05-28. Review status: criteria provided, single submitter. Criteria: Mendelics Assertion Criteria 2017. Collection method: clinical testing. Allele origin: unknown.

Literature cited by the submitters: PubMed 16770791 (cited by Labcorp Genetics (formerly Invitae), Labcorp); PubMed 25007885 (cited by Labcorp Genetics (formerly Invitae), Labcorp); PubMed 27363342 (cited by Labcorp Genetics (formerly Invitae), Labcorp); PubMed 28859693 (cited by Labcorp Genetics (formerly Invitae), Labcorp).